The following is an entry in ClinVar:

ClinVar aggregate classification (germline): Uncertain significance (1 of 4 stars; one submission).

Conditions:
X-linked intellectual disability with marfanoid habitus. Also called: INTELLECTUAL DEVELOPMENTAL DISORDER, X-LINKED, SYNDROMIC, LUJAN-FRYNS TYPE; Lujan Syndrome (LS); X-linked mental retardation with marfanoid habitus syndrome; Lujan Syndrome. Identifiers: Orphanet 776, MedGen C0796022, MONDO:0010655, OMIM 309520.

Submission:

Neuberg Centre For Genomic Medicine, NCGM
Classification: Uncertain significance for X-linked intellectual disability with marfanoid habitus. Review status: criteria provided, single submitter. Criteria: ACMG Guidelines, 2015. Collection method: clinical testing. Allele origin: germline. Inheritance: X-linked recessive inheritance. Affected: yes.
Comment: The missense c.4244C>G (p.Pro1415Arg) variant in the MED12 gene has not been reported previously as a pathogenic variant nor as a benign variant, to our knowledge. This variant is absent in the gnomAD Exomes. The amino acid Proline at position 1415 is changed to a Arginine changing protein sequence and it might alter its composition and physico-chemical properties. Multiple lines of computational evidence (Polyphen - Damaging, SIFT – Damaging and MutationTaster - Disease causing) predict a damaging effect on protein structure and function for this variant. The amino acid Proline in MED12 is predicted as conserved by GERP++ and PhyloP across 100 vertebrates. For these reasons, this variant has been classified as Uncertain Significance.

NM_005120.3(MED12):c.4244C>G (p.Pro1415Arg)

Gene: MED12 (mediator complex subunit 12; plus strand). Cytogenetic location: Xq13.1.
Variant type: single nucleotide variant.
Coding change: c.4244C>G on transcript NM_005120.3 (MANE Select); coding-DNA position 4244, C replaced by G.
Protein change: p.Pro1415Arg; replaces proline 1415 with arginine.
Molecular consequence: missense variant.
Genome position (GRCh38, 1-based): chrX:71,132,197, C>G. VCF-style: chrX-71132197-C-G. GRCh37 (hg19) VCF-style: chrX-70352047-C-G.
Other names: short protein forms P1415R.
Identifiers: ClinVar variation 3731472 (VCV003731472.1).